The following is an entry in ClinVar:

ClinVar aggregate classification (germline): Uncertain significance. Review status: criteria provided, multiple submitters, no conflicts (2 of 4 stars). 2 submissions from 2 submitters: Uncertain significance (2). Last evaluated 2024-10-17.

Conditions:
Epidermodysplasia verruciformis. Identifiers: Orphanet 302, MedGen C0014522, MONDO:0009176.
Inborn genetic diseases. Identifiers: MedGen C0950123, MeSH D030342.

Allele frequency attached by ClinVar (database versions not stated): gnomAD 0.00001; gnomAD exomes 0.00001 and below 0.00001; TOPMed below 0.00001.
gnomAD v4.1: 7 of 1,584,668 alleles (0.00044%); highest among the groups gnomAD compares: East Asian, 0.0069%; no homozygotes.

Submissions (2):

Labcorp Genetics (formerly Invitae), Labcorp
Classification: Uncertain significance for Epidermodysplasia verruciformis. Last evaluated: 2024-10-17. Review status: criteria provided, single submitter. Criteria: Invitae Variant Classification Sherloc (09022015). Collection method: clinical testing. Allele origin: germline.
Comment: This sequence change replaces methionine, which is neutral and non-polar, with valine, which is neutral and non-polar, at codon 43 of the TMC8 protein (p.Met43Val). The frequency data for this variant in the population databases is considered unreliable, as metrics indicate poor data quality at this position in the gnomAD database. This variant has not been reported in the literature in individuals affected with TMC8-related conditions. ClinVar contains an entry for this variant (Variation ID: 1515904). Invitae Evidence Modeling of protein sequence and biophysical properties (such as structural, functional, and spatial information, amino acid conservation, physicochemical variation, residue mobility, and thermodynamic stability) has been performed for this missense variant. However, the output from this modeling did not meet the statistical confidence thresholds required to predict the impact of this variant on TMC8 protein function. In summary, the available evidence is currently insufficient to determine the role of this variant in disease. Therefore, it has been classified as a Variant of Uncertain Significance.

Ambry Genetics
Classification: Uncertain significance for Inborn genetic diseases. Last evaluated: 2024-04-29. Review status: criteria provided, single submitter. Criteria: Ambry Variant Classification Scheme 2023. Collection method: clinical testing. Allele origin: germline.

NM_152468.5(TMC8):c.127A>G (p.Met43Val)

Genes: TMC6 (transmembrane channel like 6; minus strand), TMC8 (transmembrane channel like 8; plus strand), LOC130061792 (ATAC-STARR-seq lymphoblastoid silent region 9043; plus strand). Cytogenetic location: 17q25.3.
Variant type: single nucleotide variant.
Coding change: c.127A>G on transcript NM_152468.5 (MANE Select); coding-DNA position 127, A replaced by G.
Protein change: p.Met43Val; replaces methionine 43 with valine.
Molecular consequence: missense variant. On other transcripts: intron variant (1).
Genome position (GRCh38, 1-based): chr17:78,131,715, A>G. VCF-style: chr17-78131715-A-G. GRCh37 (hg19) VCF-style: chr17-76127796-A-G.
Other names: c.-75+626T>C (NM_007267.7); short protein forms M43V.
Identifiers: ClinVar variation 1515904 (VCV001515904.7), dbSNP rs1305314590, ClinGen allele CA401239232.